The following is an entry in ClinVar:

NM_001605.3(AARS1):c.672-4A>G

Gene: AARS1 (alanyl-tRNA synthetase 1; minus strand). Cytogenetic location: 16q22.1.
Variant type: single nucleotide variant.
Coding change: c.672-4A>G on transcript NM_001605.3 (MANE Select); 4 bases into the intron before coding-DNA position 672, A replaced by G.
Molecular consequence: intron variant.
Genome position (GRCh38, 1-based): chr16:70,270,344, T>C on the plus strand (A>G on the coding strand, the complement: AARS1 is on the minus strand). VCF-style: chr16-70270344-T-C. GRCh37 (hg19) VCF-style: chr16-70304247-T-C.
Identifiers: ClinVar variation 1800428 (VCV001800428.2), dbSNP rs2507018139, ClinGen allele CA2580091942.

ClinVar aggregate classification (germline): Uncertain significance (1 of 4 stars; one submission).

Conditions:
Inborn genetic diseases. Identifiers: MedGen C0950123, MeSH D030342.

Allele frequency attached by ClinVar (database versions not stated): gnomAD exomes below 0.00001.
gnomAD v4.1: 3 of 1,614,164 alleles (0.00019%); highest among the groups gnomAD compares: Non-Finnish European, 0.00017%; no homozygotes.

Submission:

Ambry Genetics
Classification: Uncertain significance for Inborn genetic diseases. Last evaluated: 2019-12-09. Review status: criteria provided, single submitter. Criteria: Ambry Variant Classification Scheme 2023. Collection method: clinical testing. Allele origin: germline.
Comment: The c.672-4A>G intronic variant results from an A to G substitution 4 nucleotides upstream from coding exon 5 in the AARS gene. This nucleotide position is poorly conserved in available vertebrate species. Using the BDGP and ESEfinder splice site prediction tools, this alteration is not predicted to have any significant effect on this splice acceptor site; however, direct evidence is unavailable. Since supporting evidence is limited at this time, the clinical significance of this alteration remains unclear.